The following is an entry in ClinVar:

NM_001370658.1(BTD):c.385T>C (p.Phe129Leu)

Gene: BTD (biotinidase; plus strand). Cytogenetic location: 3p25.1.
Variant type: single nucleotide variant.
Coding change: c.385T>C on transcript NM_001370658.1 (MANE Select); coding-DNA position 385, T replaced by C.
Protein change: p.Phe129Leu; replaces phenylalanine 129 with leucine.
Molecular consequence: missense variant.
Genome position (GRCh38, 1-based): chr3:15,642,043, T>C. VCF-style: chr3-15642043-T-C. GRCh37 (hg19) VCF-style: chr3-15683550-T-C.
Other names: c.445T>C, p.Phe149Leu (NM_000060.4); c.385T>C, p.Phe129Leu (NM_001281723.4, NM_001281724.3, NM_001281725.3 and 36 more transcripts); c.448T>C, p.Phe150Leu (NM_001407381.1); short protein forms F129L, F150L.
Identifiers: ClinVar variation 25007 (VCV000025007.16), dbSNP rs397514359, ClinGen allele CA278206.

ClinVar aggregate classification (germline): Conflicting classifications of pathogenicity. Review status: criteria provided, conflicting classifications (1 of 4 stars). 4 submissions from 4 submitters: Likely pathogenic (1); Uncertain significance (2). 1 of the submissions does not count toward it. Last evaluated 2025-07-16.

Conditions:
Biotinidase deficiency. Also called: BTD deficiency; Late-onset biotin-responsive multiple carboxylase deficiency; Biotin deficiency. Identifiers: Orphanet 79241, MedGen C0220754, MONDO:0009665, OMIM 253260.

Allele frequency attached by ClinVar (database versions not stated): gnomAD 0.00001; gnomAD exomes below 0.00001.
gnomAD v4.1: 2 of 1,614,058 alleles (0.00012%); highest among the groups gnomAD compares: Non-Finnish European, 0.00017%; no homozygotes.

Submissions (4):

Women's Health and Genetics/Laboratory Corporation of America, LabCorp
Classification: Uncertain significance. Last evaluated: 2025-07-16. Review status: criteria provided, single submitter. Criteria: LabCorp Variant Classification Summary - May 2015. Collection method: clinical testing. Allele origin: germline.
Comment: Variant summary: BTD c.385T>C (p.Phe129Leu) results in a non-conservative amino acid change in the encoded protein sequence. Algorithms developed to predict the effect of missense changes on protein structure and function all suggest that this variant is likely to be disruptive. The variant was absent in 251264 control chromosomes. c.385T>C has been observed in individual(s) affected with Biotinidase Deficiency (Norrgard_1999, internal data). These data indicate that the variant may be associated with disease. To our knowledge, no experimental evidence demonstrating an impact on protein function has been reported. The following publication has been ascertained in the context of this evaluation (PMID: 10400129). ClinVar contains an entry for this variant (Variation ID: 25007). Based on the evidence outlined above, the variant was classified as VUS-possibly pathogenic.

Blueprint Genetics
Classification: Uncertain significance. Last evaluated: 2024-08-05. Review status: criteria provided, single submitter. Criteria: ACMG Guidelines, 2015. Collection method: clinical testing. Allele origin: germline.

Labcorp Genetics (formerly Invitae), Labcorp
Classification: Likely pathogenic for Biotinidase deficiency. Last evaluated: 2021-09-15. Review status: criteria provided, single submitter. Criteria: Invitae Variant Classification Sherloc (09022015). Collection method: clinical testing. Allele origin: germline.
Comment: This sequence change replaces phenylalanine with leucine at codon 149 of the BTD protein (p.Phe149Leu). The phenylalanine residue is highly conserved and there is a small physicochemical difference between phenylalanine and leucine. This variant is not present in population databases (ExAC no frequency). This variant has been observed in individual(s) with biotinidase deficiency (PMID: 10400129; Invitae). In at least one individual the data is consistent with the variant being in trans (on the opposite chromosome) from a pathogenic variant. ClinVar contains an entry for this variant (Variation ID: 25007). Algorithms developed to predict the effect of missense changes on protein structure and function are either unavailable or do not agree on the potential impact of this missense change (SIFT: "Tolerated"; PolyPhen-2: "Possibly Damaging"; Align-GVGD: "Class C0"). In summary, the currently available evidence indicates that the variant is pathogenic, but additional data are needed to prove that conclusively. Therefore, this variant has been classified as Likely Pathogenic.

Natera, Inc.
Classification: Uncertain significance for Biotinidase deficiency. Last evaluated: 2020-10-26. Review status: no assertion criteria provided. Collection method: clinical testing. Allele origin: germline. Not counted in ClinVar's aggregate classification.

Literature cited by the submitters: PubMed 10400129 (cited by Women's Health and Genetics/Laboratory Corporation of America, LabCorp and Labcorp Genetics (formerly Invitae), Labcorp).